The following is an entry in ClinVar:

NM_003002.4(SDHD):c.260C>T (p.Pro87Leu)

Gene: SDHD (succinate dehydrogenase complex subunit D; plus strand). Cytogenetic location: 11q23.1.
Variant type: single nucleotide variant.
Coding change: c.260C>T on transcript NM_003002.4 (MANE Select); coding-DNA position 260, C replaced by T.
Protein change: p.Pro87Leu; replaces proline 87 with leucine.
Molecular consequence: missense variant. On other transcripts: non-coding transcript variant (1), intron variant (1).
Genome position (GRCh38, 1-based): chr11:112,088,957, C>T. VCF-style: chr11-112088957-C-T. GRCh37 (hg19) VCF-style: chr11-111959681-C-T.
Other names: c.143C>T, p.Pro48Leu (NM_001276504.2); c.260C>T, p.Pro87Leu (NM_001276506.2); c.169+984C>T (NM_001276503.2); short protein forms P48L, P87L.
Identifiers: ClinVar variation 1793777 (VCV001793777.3), dbSNP rs2135269548, ClinGen allele CA382617332.

ClinVar aggregate classification (germline): Uncertain significance (1 of 4 stars; one submission).

Conditions:
Hereditary cancer-predisposing syndrome. Also called: Neoplastic Syndromes, Hereditary; Tumor predisposition; Hereditary Cancer Syndrome; Hereditary neoplastic syndrome. Identifiers: Orphanet 140162, MedGen C0027672, MeSH D009386, MONDO:0015356.

Submission:

Ambry Genetics
Classification: Uncertain significance for Hereditary cancer-predisposing syndrome. Last evaluated: 2026-05-05. Review status: criteria provided, single submitter. Criteria: Ambry Variant Classification Scheme 2023. Collection method: clinical testing. Allele origin: germline.
Comment: The p.P87L variant (also known as c.260C>T), located in coding exon 3 of the SDHD gene, results from a C to T substitution at nucleotide position 260. The proline at codon 87 is replaced by leucine, an amino acid with similar properties. This amino acid position is highly conserved in available vertebrate species. In addition, this alteration is predicted to be deleterious by in silico analysis. Based on the available evidence, the clinical significance of this variant remains unclear.